The following is an entry in ClinVar:

ClinVar aggregate classification (germline): Uncertain significance (1 of 4 stars; one submission).

gnomAD v4.1: 15 of 1,613,864 alleles (0.00093%); highest among the groups gnomAD compares: Middle Eastern, 0.016%; no homozygotes.

Submission:

GeneDx
Classification: Uncertain significance. Last evaluated: 2026-03-05. Review status: criteria provided, single submitter. Criteria: GeneDx Variant Classification Process June 2021. Collection method: clinical testing. Allele origin: germline.
Comment: In silico analysis supports that this missense variant has a deleterious effect on protein structure/function; Has not been previously published as pathogenic or benign to our knowledge

NM_018897.3(DNAH7):c.3407C>G (p.Ala1136Gly)

Gene: DNAH7 (dynein axonemal heavy chain 7; minus strand). Cytogenetic location: 2q32.3.
Variant type: single nucleotide variant.
Coding change: c.3407C>G on transcript NM_018897.3 (MANE Select); coding-DNA position 3407, C replaced by G.
Protein change: p.Ala1136Gly; replaces alanine 1136 with glycine.
Molecular consequence: missense variant.
Genome position (GRCh38, 1-based): chr2:195,934,655, G>C on the plus strand (C>G on the coding strand, the complement: DNAH7 is on the minus strand). VCF-style: chr2-195934655-G-C. GRCh37 (hg19) VCF-style: chr2-196799379-G-C.
Other names: short protein forms A1136G.
Identifiers: ClinVar variation 5010054 (VCV005010054.1).